The following is an entry in ClinVar:

ClinVar aggregate classification (germline): Benign/Likely benign. Review status: criteria provided, multiple submitters, no conflicts (2 of 4 stars). 15 submissions from 14 submitters: Benign (5); Likely benign (7). 3 of the submissions do not count toward it. Last evaluated 2026-02-03.

Conditions:
Basal cell nevus syndrome 1 (BCNS1). Also called: GORLIN-GOLTZ SYNDROME; MULTIPLE BASAL CELL NEVI, ODONTOGENIC KERATOCYSTS, AND SKELETAL ANOMALIES. Identifiers: MedGen CN376810, MONDO:0958174, OMIM 109400.
Hereditary cancer-predisposing syndrome. Also called: Tumor predisposition; Hereditary neoplastic syndrome; Hereditary Cancer Syndrome; Neoplastic Syndromes, Hereditary. Identifiers: Orphanet 140162, MedGen C0027672, MeSH D009386, MONDO:0015356.
Ovarian cancer. Also called: OVARIAN CANCER, SOMATIC. Identifiers: Orphanet 213500, MedGen C1140680, MONDO:0008170, OMIM 167000.
Holoprosencephaly 7 (HPE7). Identifiers: Orphanet 2162, MedGen C1835820, MONDO:0012562, OMIM 610828.
Gorlin syndrome. Also called: Nevoid Basal Cell Carcinoma Syndrome; Basal cell nevus syndrome. Identifiers: Orphanet 377, MedGen C0004779, MONDO:0007187.
PTCH1-related disorder. Also called: PTCH1-related disorders; PTCH1-related condition.

Allele frequency attached by ClinVar (database versions not stated): TOPMed 0.00006; gnomAD 0.00014 and 0.00016; 1000 Genomes Project 30x 0.00062; 1000 Genomes Project 0.00080.
gnomAD v4.1: 113 of 1,602,842 alleles (0.007%); highest among the groups gnomAD compares: East Asian, 0.19%; no homozygotes.

Submissions (15):

Labcorp Genetics (formerly Invitae), Labcorp
Classification: Benign for Gorlin syndrome. Last evaluated: 2026-02-03. Review status: criteria provided, single submitter. Criteria: Invitae Variant Classification Sherloc (09022015). Collection method: clinical testing. Allele origin: germline.

Center for Genomic Medicine, Rigshospitalet, Copenhagen University Hospital
Classification: Likely benign. Last evaluated: 2025-12-29. Review status: criteria provided, single submitter. Criteria: ACMG Guidelines, 2015. Collection method: clinical testing. Allele origin: germline.

KCCC/NGS Laboratory, Kuwait Cancer Control Center
Classification: Benign for Basal cell nevus syndrome 1. Last evaluated: 2025-02-01. Review status: criteria provided, single submitter. Criteria: ACMG Guidelines, 2015. Collection method: clinical testing. Allele origin: germline. Affected: no.

PreventionGenetics, part of Exact Sciences
Classification: Likely benign for PTCH1-related condition. Last evaluated: 2024-10-10. Review status: criteria provided, single submitter. Criteria: ACMG Guidelines, 2015. Collection method: clinical testing. Allele origin: germline.
Comment: This variant is classified as likely benign based on ACMG/AMP sequence variant interpretation guidelines (Richards et al. 2015 PMID: 25741868, with internal and published modifications).

Blueprint Genetics
Classification: Likely benign. Last evaluated: 2023-06-01. Review status: criteria provided, single submitter. Criteria: ACMG Guidelines, 2015. Collection method: clinical testing. Allele origin: germline.

CeGaT Center for Human Genetics Tuebingen
Classification: Benign. Last evaluated: 2022-04-01. Review status: criteria provided, single submitter. Criteria: CeGaT Center For Human Genetics Tuebingen Variant Classification Criteria Version 2. Collection method: clinical testing. Allele origin: germline. Affected: yes. Observed: 1 variant allele.
Comment: PTCH1: BS1, BS2

Laboratory of Molecular Epidemiology of Birth Defects, West China Second University Hospital, Sichuan University
Classification: Benign for Ovarian cancer. Last evaluated: 2022-01-01. Review status: criteria provided, single submitter. Criteria: ACMG Guidelines, 2015. Collection method: clinical testing. Allele origin: germline. Affected: yes.

Sema4
Classification: Likely benign for Hereditary cancer-predisposing syndrome. Last evaluated: 2021-02-03. Review status: criteria provided, single submitter. Criteria: Sema4 Curation Guidelines. Collection method: curation. Allele origin: germline.

Ambry Genetics
Classification: Likely benign for Hereditary cancer-predisposing syndrome. Last evaluated: 2018-10-11. Review status: criteria provided, single submitter. Criteria: Ambry Variant Classification Scheme 2023. Collection method: clinical testing. Allele origin: germline.

Illumina Laboratory Services, Illumina
Classification: Benign for Basal cell nevus syndrome 1. Last evaluated: 2018-01-12. Review status: criteria provided, single submitter. Criteria: ICSL Variant Classification Criteria 13 December 2019. Collection method: clinical testing. Allele origin: germline.
Comment: This variant was observed in the ICSL laboratory as part of a predisposition screen in an ostensibly healthy population. It had not been previously curated by ICSL or reported in the Human Gene Mutation Database (HGMD: prior to June 1st, 2018), and was therefore a candidate for classification through an automated scoring system. Utilizing variant allele frequency, disease prevalence and penetrance estimates, and inheritance mode, an automated score was calculated to assess if this variant is too frequent to cause the disease. Based on the score and internal cut-off values, a variant classified as benign is not then subjected to further curation. The score for this variant resulted in a classification of benign for this disease.

Illumina Laboratory Services, Illumina
Classification: Likely benign for Holoprosencephaly 7. Last evaluated: 2018-01-12. Review status: criteria provided, single submitter. Criteria: ICSL Variant Classification Criteria 13 December 2019. Collection method: clinical testing. Allele origin: germline.
Comment: This variant was observed in the ICSL laboratory as part of a predisposition screen in an ostensibly healthy population. It had not been previously curated by ICSL or reported in the Human Gene Mutation Database (HGMD: prior to June 1st, 2018), and was therefore a candidate for classification through an automated scoring system. Utilizing variant allele frequency, disease prevalence and penetrance estimates, and inheritance mode, an automated score was calculated to assess if this variant is too frequent to cause the disease. Based on the score and internal cut-off values, a variant classified as likely benign is not then subjected to further curation. The score for this variant resulted in a classification of likely benign for this disease.

Women's Health and Genetics/Laboratory Corporation of America, LabCorp
Classification: Likely benign. Last evaluated: 2017-08-22. Review status: criteria provided, single submitter. Criteria: LabCorp Variant Classification Summary - May 2015. Collection method: clinical testing. Allele origin: germline.
Comment: Variant summary: The PTCH1 c.3839C>T (p.Ser1280Leu) variant involves the alteration of a non-conserved nucleotide. 4/5 in silico tools predict benign outcome for this variant. This variant was found in 25/113926 control chromosomes from ExAC at a frequency of 0.0002194, which is approximately 13 times the estimated maximal expected allele frequency of a pathogenic PTCH1 variant (0.0000171), suggesting this variant is likely a benign polymorphism. In addition, multiple clinical diagnostic laboratories in ClinVar have classified this variant as likely benign. To our knowledge, this variant has not been reported in affected individuals in literature, nor has it been evaluated for functional impact by in vivo/vitro studies. Taken together, this variant is classified as likely benign.

Clinical Genetics DNA and cytogenetics Diagnostics Lab, Erasmus MC, Erasmus Medical Center
Classification: Likely benign. Review status: no assertion criteria provided. Collection method: clinical testing. Allele origin: germline. Affected: yes. Study: VKGL Data-share Consensus. Not counted in ClinVar's aggregate classification.

Genome Diagnostics Laboratory, Amsterdam University Medical Center
Classification: Likely benign. Review status: no assertion criteria provided. Collection method: clinical testing. Allele origin: germline. Affected: yes. Study: VKGL Data-share Consensus. Not counted in ClinVar's aggregate classification.

Laboratory of Diagnostic Genome Analysis, Leiden University Medical Center (LUMC)
Classification: Likely benign. Review status: no assertion criteria provided. Collection method: clinical testing. Allele origin: germline. Affected: yes. Study: VKGL Data-share Consensus. Not counted in ClinVar's aggregate classification.

Literature cited by the submitters: PubMed 27535533 (cited by Ambry Genetics).

NM_000264.5(PTCH1):c.3839C>T (p.Ser1280Leu)

Gene: PTCH1 (patched 1; minus strand). Cytogenetic location: 9q22.32.
Variant type: single nucleotide variant.
Coding change: c.3839C>T on transcript NM_000264.5 (MANE Select); coding-DNA position 3839, C replaced by T.
Protein change: p.Ser1280Leu; replaces serine 1280 with leucine.
Molecular consequence: missense variant. On other transcripts: non-coding transcript variant (1).
Genome position (GRCh38, 1-based): chr9:95,447,417, G>A on the plus strand (C>T on the coding strand, the complement: PTCH1 is on the minus strand). VCF-style: chr9-95447417-G-A. GRCh37 (hg19) VCF-style: chr9-98209699-G-A.
Other names: c.3641C>T, p.Ser1214Leu (NM_001083602.3); c.3836C>T, p.Ser1279Leu (NM_001083603.3); c.3386C>T, p.Ser1129Leu (NM_001083604.3, NM_001083605.3, NM_001083606.3 and 1 more transcripts); c.3683C>T, p.Ser1228Leu (NM_001354918.2); short protein forms S1280L, S1214L, S1279L, S1129L, S1228L.
Identifiers: ClinVar variation 415469 (VCV000415469.52), dbSNP rs201595274, ClinGen allele CA5138025.